The following is an entry in ClinVar:

NM_001134407.3(GRIN2A):c.1028G>T (p.Trp343Leu)

Gene: GRIN2A (glutamate ionotropic receptor NMDA type subunit 2A; minus strand). Cytogenetic location: 16p13.2.
Variant type: single nucleotide variant.
Coding change: c.1028G>T on transcript NM_001134407.3 (MANE Select); coding-DNA position 1028, G replaced by T.
Protein change: p.Trp343Leu; replaces tryptophan 343 with leucine.
Molecular consequence: missense variant.
Genome position (GRCh38, 1-based): chr16:9,891,080, C>A on the plus strand (G>T on the coding strand, the complement: GRIN2A is on the minus strand). VCF-style: chr16-9891080-C-A. GRCh37 (hg19) VCF-style: chr16-9984937-C-A.
Other names: c.1028G>T, p.Trp343Leu (NM_000833.5, NM_001134408.2); short protein forms W343L.
Identifiers: ClinVar variation 1394573 (VCV001394573.6), dbSNP rs1231057100, ClinGen allele CA394797578.
Genomic context (GRCh38, chr16:9,891,080, plus strand): 5'-ACCACCAGCCTGGGGTGCACCTGGTAGCCTTCCTCAGTGAAGGATAAGTCTTTGCCATCC[C>A]ATGTAACATTGACCATAAATCTAGAAAGGGGAAGAGAGAAAGACAAATTTTTAGGAAAGA-3'
Protein context (NP_001127879.1, residues 333-353): TLHPFMVNVT[Trp343Leu]DGKDLSFTEE

ClinVar aggregate classification (germline): Uncertain significance (1 of 4 stars; one submission).

Conditions:
Landau-Kleffner syndrome (FESD). Also called: APHASIA, ACQUIRED, WITH EPILEPSY; EPILEPSY, FOCAL, WITH SPEECH DISORDER AND WITH OR WITHOUT MENTAL RETARDATION. Identifiers: Orphanet 1945, Orphanet 725, Orphanet 98818, MedGen C0282512, MONDO:0009509, OMIM 245570.

Allele frequency attached by ClinVar (database versions not stated): gnomAD exomes below 0.00001.
gnomAD v4.1: 2 of 1,609,628 alleles (0.00012%); highest among the groups gnomAD compares: Non-Finnish European, 0.00017%; no homozygotes.

Submission:

Labcorp Genetics (formerly Invitae), Labcorp
Classification: Uncertain significance for Landau-Kleffner syndrome. Last evaluated: 2021-11-22. Review status: criteria provided, single submitter. Criteria: Invitae Variant Classification Sherloc (09022015). Collection method: clinical testing. Allele origin: germline.
Comment: This sequence change replaces tryptophan, which is neutral and slightly polar, with leucine, which is neutral and non-polar, at codon 343 of the GRIN2A protein (p.Trp343Leu). This variant is present in population databases (no rsID available, gnomAD 0.0009%). This variant has not been reported in the literature in individuals affected with GRIN2A-related conditions. Advanced modeling of protein sequence and biophysical properties (such as structural, functional, and spatial information, amino acid conservation, physicochemical variation, residue mobility, and thermodynamic stability) performed at Invitae indicates that this missense variant is not expected to disrupt GRIN2A protein function. In summary, the available evidence is currently insufficient to determine the role of this variant in disease. Therefore, it has been classified as a Variant of Uncertain Significance.